The following is an entry in ClinVar:

NM_031885.5(BBS2):c.1865G>A (p.Arg622Gln)

Gene: BBS2 (Bardet-Biedl syndrome 2; minus strand). Cytogenetic location: 16q13.
Variant type: single nucleotide variant.
Coding change: c.1865G>A on transcript NM_031885.5 (MANE Select); coding-DNA position 1865, G replaced by A.
Protein change: p.Arg622Gln; replaces arginine 622 with glutamine.
Molecular consequence: missense variant. On other transcripts: non-coding transcript variant (5).
Genome position (GRCh38, 1-based): chr16:56,497,012, C>T on the plus strand (G>A on the coding strand, the complement: BBS2 is on the minus strand). VCF-style: chr16-56497012-C-T. GRCh37 (hg19) VCF-style: chr16-56530924-C-T.
Other names: c.1865G>A, p.Arg622Gln (NM_001377456.1); c.1865G>A (NM_031885.3); short protein forms R622Q.
Identifiers: ClinVar variation 2180044 (VCV002180044.5), dbSNP rs759714501, ClinGen allele CA8065603.

ClinVar aggregate classification (germline): Uncertain significance. Review status: criteria provided, multiple submitters, no conflicts (2 of 4 stars). 5 submissions from 5 submitters: Uncertain significance (5). Last evaluated 2026-05-05.

Conditions:
Retinal dystrophy. Also called: Inherited retinal dystrophy. Identifiers: Orphanet 71862, MedGen C0854723, MeSH D058499, MONDO:0019118, HP:0000556.
Bardet-Biedl syndrome 2 (BBS2). Identifiers: Orphanet 110, MedGen C2936863, MONDO:0014432, OMIM 615981.
Retinitis pigmentosa 74 (RP74). Identifiers: Orphanet 791, MedGen C4225281, MONDO:0014692, OMIM 616562.
BBS2-related disorder. Also called: BBS2-related condition; BBS2-related disorders. Identifiers: MedGen CN239228.
Inborn genetic diseases. Identifiers: MedGen C0950123, MeSH D030342.
Bardet-Biedl syndrome (BBS). Identifiers: Orphanet 110, MedGen C0752166, MONDO:0015229.

Allele frequency attached by ClinVar (database versions not stated): gnomAD exomes 0.00001; ExAC 0.00002; TOPMed 0.00002; gnomAD 0.00003.
gnomAD v4.1: 21 of 1,613,968 alleles (0.0013%); highest among the groups gnomAD compares: East Asian, 0.016%; no homozygotes.

Submissions (5):

PreventionGenetics, part of Exact Sciences
Classification: Uncertain significance for BBS2-related condition. Last evaluated: 2026-05-05. Review status: criteria provided, single submitter. Criteria: ACMG Guidelines, 2015. Collection method: clinical testing. Allele origin: germline.
Comment: The BBS2 c.1865G>A variant is predicted to result in the amino acid substitution p.Arg622Gln. To our knowledge, this variant has not been reported in the literature. This variant is reported in 0.0096% of alleles in individuals of Ashkenazi Jewish descent in gnomAD. At this time, the clinical significance of this variant is uncertain due to the absence of conclusive functional and genetic evidence.

Ambry Genetics
Classification: Uncertain significance for Inborn genetic diseases. Last evaluated: 2025-03-26. Review status: criteria provided, single submitter. Criteria: Ambry Variant Classification Scheme 2023. Collection method: clinical testing. Allele origin: germline.

Fulgent Genetics
Classification: Uncertain significance for Bardet-Biedl syndrome 2; Retinitis pigmentosa 74. Last evaluated: 2024-06-10. Review status: criteria provided, single submitter. Criteria: ACMG Guidelines, 2015. Collection method: clinical testing. Allele origin: germline.

Dept Of Ophthalmology, Nagoya University
Classification: Uncertain significance for Retinal dystrophy. Last evaluated: 2023-10-01. Review status: criteria provided, single submitter. Criteria: Submitter's publication. Collection method: research. Allele origin: germline. Affected: yes.

Labcorp Genetics (formerly Invitae), Labcorp
Classification: Uncertain significance for Bardet-Biedl syndrome. Last evaluated: 2022-03-20. Review status: criteria provided, single submitter. Criteria: Invitae Variant Classification Sherloc (09022015). Collection method: clinical testing. Allele origin: germline.
Comment: This sequence change replaces arginine, which is basic and polar, with glutamine, which is neutral and polar, at codon 622 of the BBS2 protein (p.Arg622Gln). This variant is present in population databases (rs759714501, gnomAD 0.01%). This variant has not been reported in the literature in individuals affected with BBS2-related conditions. Algorithms developed to predict the effect of missense changes on protein structure and function are either unavailable or do not agree on the potential impact of this missense change (SIFT: "Deleterious"; PolyPhen-2: "Probably Damaging"; Align-GVGD: "Class C0"). In summary, the available evidence is currently insufficient to determine the role of this variant in disease. Therefore, it has been classified as a Variant of Uncertain Significance.